The following is an entry in ClinVar:

NM_001243925.2(MAPKAPK3):c.713G>T (p.Gly238Val)

Gene: MAPKAPK3 (MAPK activated protein kinase 3; plus strand). Cytogenetic location: 3p21.2.
Variant type: single nucleotide variant.
Coding change: c.713G>T on transcript NM_001243925.2 (MANE Select); coding-DNA position 713, G replaced by T.
Protein change: p.Gly238Val; replaces glycine 238 with valine.
Molecular consequence: missense variant.
Genome position (GRCh38, 1-based): chr3:50,646,148, G>T. VCF-style: chr3-50646148-G-T. GRCh37 (hg19) VCF-style: chr3-50683579-G-T.
Other names: c.713G>T, p.Gly238Val (NM_001243926.2, NM_004635.5); short protein forms G238V.
Identifiers: ClinVar variation 2016202 (VCV002016202.4), dbSNP rs753802960, ClinGen allele CA2420348.
Genomic context (GRCh38, chr3:50,646,148, plus strand): 5'-CCACCCTGGCACTGCTCCCACCCTATGCCAAATGACTTACCCCTTCCCCCAGCCTTTGTG[G>T]CTTCCCACCCTTCTACTCCAACACGGGCCAGGCCATCTCCCCGGGGATGAAGAGGAGGAT-3'
Protein context (NP_001230854.1, residues 228-248): LGVIMYILLC[Gly238Val]FPPFYSNTGQ

ClinVar aggregate classification (germline): Uncertain significance (1 of 4 stars; one submission).

Allele frequency attached by ClinVar (database versions not stated): TOPMed below 0.00001; ExAC 0.00001; gnomAD 0.00001.
gnomAD v4.1: 1 of 1,613,414 alleles (0.000062%); highest among the groups gnomAD compares: African/African-American, 0.0013%; no homozygotes.

Submission:

Labcorp Genetics (formerly Invitae), Labcorp
Classification: Uncertain significance. Last evaluated: 2022-07-11. Review status: criteria provided, single submitter. Criteria: Invitae Variant Classification Sherloc (09022015). Collection method: clinical testing. Allele origin: germline.
Comment: In summary, the available evidence is currently insufficient to determine the role of this variant in disease. Therefore, it has been classified as a Variant of Uncertain Significance. Algorithms developed to predict the effect of sequence changes on RNA splicing suggest that this variant may create or strengthen a splice site. Algorithms developed to predict the effect of missense changes on protein structure and function (SIFT, PolyPhen-2, Align-GVGD) all suggest that this variant is likely to be disruptive. This variant has not been reported in the literature in individuals affected with MAPKAPK3-related conditions. This variant is present in population databases (rs753802960, gnomAD 0.007%). This sequence change replaces glycine, which is neutral and non-polar, with valine, which is neutral and non-polar, at codon 238 of the MAPKAPK3 protein (p.Gly238Val).